The following is an entry in ClinVar:

ClinVar aggregate classification (germline): Uncertain significance (1 of 4 stars; one submission).

Allele frequency attached by ClinVar (database versions not stated): gnomAD exomes 0.00001; ExAC 0.00003; TOPMed 0.00006.
gnomAD v4.1: 20 of 1,613,686 alleles (0.0012%); highest among the groups gnomAD compares: Admixed American, 0.015%; no homozygotes.

Submission:

GeneDx
Classification: Uncertain significance. Last evaluated: 2023-01-05. Review status: criteria provided, single submitter. Criteria: GeneDx Variant Classification Process June 2021. Collection method: clinical testing. Allele origin: germline. Affected: yes.
Comment: In silico analysis supports that this missense variant has a deleterious effect on protein structure/function; Has not been previously published as pathogenic or benign to our knowledge

NM_017757.3(ZNF407):c.2179C>T (p.Arg727Trp)

Gene: ZNF407 (zinc finger protein 407; plus strand). Cytogenetic location: 18q22.3.
Variant type: single nucleotide variant.
Coding change: c.2179C>T on transcript NM_017757.3 (MANE Select); coding-DNA position 2179, C replaced by T.
Protein change: p.Arg727Trp; replaces arginine 727 with tryptophan.
Molecular consequence: missense variant.
Genome position (GRCh38, 1-based): chr18:74,633,198, C>T. VCF-style: chr18-74633198-C-T. GRCh37 (hg19) VCF-style: chr18-72345154-C-T.
Other names: c.2179C>T, p.Arg727Trp (NM_001146189.1, NM_001146190.1, NM_001384475.1); short protein forms R727W.
Identifiers: ClinVar variation 2571739 (VCV002571739.1), dbSNP rs745947982, ClinGen allele CA9000483.